The following is an entry in ClinVar:

NC_000012.12:g.120291916_120291917insA

Genes: RNU4-2 (RNA, U4 small nuclear 2; minus strand), SIRT4 (sirtuin 4; plus strand). Cytogenetic location: 12q24.23.
Variant type: Insertion.
Genome position: GRCh38 VCF-style: chr12-120291916-T-TA. GRCh37 (hg19) VCF-style: chr12-120729719-T-TA.
Identifiers: ClinVar variation 3778552 (VCV003778552.7).
Genomic context (GRCh38, chr12:120,291,916, plus strand): 5'-CGCCTCGGATAAACCTCATTGGCTACGATACTGCCACTGCGCAAAGCTGGAAAGGTTCTG[T>TA]TCGCGCCCCGCTCCCCCACGGATGATGACTACCATTACATTGAGGGTGAGTGCCTGCCCG-3'

ClinVar aggregate classification (germline): Uncertain significance (1 of 4 stars; one submission).

Submission:

CeGaT Center for Human Genetics Tuebingen
Classification: Uncertain significance. Last evaluated: 2025-03-01. Review status: criteria provided, single submitter. Criteria: CeGaT Center For Human Genetics Tuebingen Variant Classification Criteria Version 2. Collection method: clinical testing. Allele origin: germline. Affected: yes. Observed: 1 variant allele.
Comment: RNU4-2: PM2